The following is an entry in ClinVar:

NM_020975.6(RET):c.475T>A (p.Ser159Thr)

Gene: RET (ret proto-oncogene; plus strand). Cytogenetic location: 10q11.21.
Variant type: single nucleotide variant.
Coding change: c.475T>A on transcript NM_020975.6 (MANE Select); coding-DNA position 475, T replaced by A.
Protein change: p.Ser159Thr; replaces serine 159 with threonine.
Molecular consequence: missense variant.
Genome position (GRCh38, 1-based): chr10:43,102,479, T>A. VCF-style: chr10-43102479-T-A. GRCh37 (hg19) VCF-style: chr10-43597927-T-A.
Other names: c.475T>A, p.Ser159Thr (NM_000323.2, NM_001406743.1, NM_001406744.1 and 16 more transcripts); c.346T>A, p.Ser116Thr (NM_001406761.1, NM_001406762.1, NM_001406764.1 and 4 more transcripts); short protein forms S159T, S116T.
Identifiers: ClinVar variation 1053217 (VCV001053217.12), dbSNP rs2132681533, ClinGen allele CA376770910.

ClinVar aggregate classification (germline): Uncertain significance. Review status: criteria provided, multiple submitters, no conflicts (2 of 4 stars). 2 submissions from 2 submitters: Uncertain significance (2). Last evaluated 2022-03-16.

Conditions:
Hereditary cancer-predisposing syndrome. Also called: Tumor predisposition; Hereditary neoplastic syndrome; Hereditary Cancer Syndrome; Neoplastic Syndromes, Hereditary. Identifiers: Orphanet 140162, MedGen C0027672, MeSH D009386, MONDO:0015356.
Multiple endocrine neoplasia, type 2 (MEN2). Identifiers: Orphanet 653, MedGen C4048306, MONDO:0019003. Disease mechanism: gain of function.

Submissions (2):

Ambry Genetics
Classification: Uncertain significance for Hereditary cancer-predisposing syndrome. Last evaluated: 2022-03-16. Review status: criteria provided, single submitter. Criteria: Ambry Variant Classification Scheme 2023. Collection method: clinical testing. Allele origin: germline.
Comment: The p.S159T variant (also known as c.475T>A), located in coding exon 3 of the RET gene, results from a T to A substitution at nucleotide position 475. The serine at codon 159 is replaced by threonine, an amino acid with similar properties. This amino acid position is conserved. In addition, this alteration is predicted to be tolerated by in silico analysis. Since supporting evidence is limited at this time, the clinical significance of this alteration remains unclear.

Labcorp Genetics (formerly Invitae), Labcorp
Classification: Uncertain significance for Multiple endocrine neoplasia, type 2. Last evaluated: 2020-07-15. Review status: criteria provided, single submitter. Criteria: Invitae Variant Classification Sherloc (09022015). Collection method: clinical testing. Allele origin: germline.
Comment: This variant is not present in population databases (ExAC no frequency). This variant has not been reported in the literature in individuals with RET-related conditions. Algorithms developed to predict the effect of missense changes on protein structure and function (SIFT, PolyPhen-2, Align-GVGD) all suggest that this variant is likely to be tolerated, but these predictions have not been confirmed by published functional studies and their clinical significance is uncertain. In summary, the available evidence is currently insufficient to determine the role of this variant in disease. Therefore, it has been classified as a Variant of Uncertain Significance. This sequence change replaces serine with threonine at codon 159 of the RET protein (p.Ser159Thr). The serine residue is moderately conserved and there is a small physicochemical difference between serine and threonine.